The following is an entry in ClinVar:

NM_003482.4(KMT2D):c.7160C>G (p.Pro2387Arg)

Gene: KMT2D (lysine methyltransferase 2D; minus strand). Cytogenetic location: 12q13.12.
Variant type: single nucleotide variant.
Coding change: c.7160C>G on transcript NM_003482.4 (MANE Select); coding-DNA position 7160, C replaced by G.
Protein change: p.Pro2387Arg; replaces proline 2387 with arginine.
Molecular consequence: missense variant.
Genome position (GRCh38, 1-based): chr12:49,040,610, G>C on the plus strand (C>G on the coding strand, the complement: KMT2D is on the minus strand). VCF-style: chr12-49040610-G-C. GRCh37 (hg19) VCF-style: chr12-49434393-G-C.
Other names: short protein forms P2387R.
Identifiers: ClinVar variation 2759028 (VCV002759028.3), dbSNP rs541573109, ClinGen allele CA384748259.
Genomic context (GRCh38, chr12:49,040,610, plus strand): 5'-GGGTCGGAGGGCAGTGAGCGAGGGGGCAGAGCACAGCAGCTCTCAGGGGGCGGAGGTTGG[G>C]GCCGAGGAGTCAATGGGGGCTGAGCATATGGGTCAGTGTAGGAGCCAGGGCGAAAGATGT-3'
Protein context (NP_003473.3, residues 2377-2397): PYAQPPLTPR[Pro2387Arg]QPPPPESCCA

ClinVar aggregate classification (germline): Uncertain significance (1 of 4 stars; one submission).

Conditions:
Kabuki syndrome. Also called: Kabuki make-up syndrome; NIIKAWA-KUROKI SYNDROME. Identifiers: Orphanet 2322, MedGen C0796004, MONDO:0016512.

Submission:

Labcorp Genetics (formerly Invitae), Labcorp
Classification: Uncertain significance for Kabuki syndrome. Last evaluated: 2023-09-13. Review status: criteria provided, single submitter. Criteria: Invitae Variant Classification Sherloc (09022015). Collection method: clinical testing. Allele origin: germline.
Comment: Advanced modeling of protein sequence and biophysical properties (such as structural, functional, and spatial information, amino acid conservation, physicochemical variation, residue mobility, and thermodynamic stability) performed at Invitae indicates that this missense variant is not expected to disrupt KMT2D protein function. In summary, the available evidence is currently insufficient to determine the role of this variant in disease. Therefore, it has been classified as a Variant of Uncertain Significance. This variant has not been reported in the literature in individuals affected with KMT2D-related conditions. This variant is not present in population databases (gnomAD no frequency). This sequence change replaces proline, which is neutral and non-polar, with arginine, which is basic and polar, at codon 2387 of the KMT2D protein (p.Pro2387Arg).